The following is an entry in ClinVar:

ClinVar aggregate classification (germline): Uncertain significance (1 of 4 stars; one submission).

Conditions:
Ataxia-telangiectasia syndrome (AT). Also called: Ataxia telangiectasia (A-T); Ataxia-telangiectasia, complementation group D; ATAXIA-TELANGIECTASIA, COMPLEMENTATION GROUP A; ATAXIA-TELANGIECTASIA, FRESNO VARIANT; Ataxia-telangiectasia, complementation group E; LOUIS-BAR SYNDROME. Identifiers: Orphanet 100, MedGen C0004135, MONDO:0008840, OMIM 208900.

Submission:

Labcorp Genetics (formerly Invitae), Labcorp
Classification: Uncertain significance for Ataxia-telangiectasia syndrome. Last evaluated: 2025-07-19. Review status: criteria provided, single submitter. Criteria: Invitae Variant Classification Sherloc (09022015). Collection method: clinical testing. Allele origin: germline.
Comment: This sequence change replaces threonine, which is neutral and polar, with alanine, which is neutral and non-polar, at codon 1662 of the ATM protein (p.Thr1662Ala). This variant is not present in population databases (gnomAD no frequency). This variant has not been reported in the literature in individuals affected with ATM-related conditions. ClinVar contains an entry for this variant (Variation ID: 2991440). Invitae Evidence Modeling of protein sequence and biophysical properties (such as structural, functional, and spatial information, amino acid conservation, physicochemical variation, residue mobility, and thermodynamic stability) indicates that this missense variant is not expected to disrupt ATM protein function with a negative predictive value of 95%. In summary, the available evidence is currently insufficient to determine the role of this variant in disease. Therefore, it has been classified as a Variant of Uncertain Significance.

NM_000051.4(ATM):c.4984A>G (p.Thr1662Ala)

Gene: ATM (ATM serine/threonine kinase; plus strand). Cytogenetic location: 11q22.3.
Variant type: single nucleotide variant.
Coding change: c.4984A>G on transcript NM_000051.4 (MANE Select); coding-DNA position 4984, A replaced by G.
Protein change: p.Thr1662Ala; replaces threonine 1662 with alanine.
Molecular consequence: missense variant.
Genome position (GRCh38, 1-based): chr11:108,297,361, A>G. VCF-style: chr11-108297361-A-G. GRCh37 (hg19) VCF-style: chr11-108168088-A-G.
Other names: c.4984A>G, p.Thr1662Ala (NM_001351834.2); short protein forms T1662A.
Identifiers: ClinVar variation 2991440 (VCV002991440.3), dbSNP rs2135863506, ClinGen allele CA382538487.